The following is an entry in ClinVar:

NM_001258392.3(CLPB):c.1861A>G (p.Ile621Val)

Gene: CLPB (ClpB family mitochondrial disaggregase; minus strand). Cytogenetic location: 11q13.4.
Variant type: single nucleotide variant.
Coding change: c.1861A>G on transcript NM_001258392.3 (MANE Select); coding-DNA position 1861, A replaced by G.
Protein change: p.Ile621Val; replaces isoleucine 621 with valine.
Molecular consequence: missense variant.
Genome position (GRCh38, 1-based): chr11:72,293,540, T>C on the plus strand (A>G on the coding strand, the complement: CLPB is on the minus strand). VCF-style: chr11-72293540-T-C. GRCh37 (hg19) VCF-style: chr11-72004584-T-C.
Other names: c.1774A>G, p.Ile592Val (NM_001258393.3); c.1816A>G, p.Ile606Val (NM_001258394.3); c.1951A>G, p.Ile651Val (NM_030813.6); short protein forms I592V, I606V, I621V, I651V.
Identifiers: ClinVar variation 1489290 (VCV001489290.6), dbSNP rs755357754, ClinGen allele CA381724445.

ClinVar aggregate classification (germline): Uncertain significance (1 of 4 stars; one submission).

Conditions:
3-methylglutaconic aciduria, type VIIB (MGCA7B). Also called: CLPB Deficiency; 3-methylglutaconic aciduria with cataracts, neurologic involvement and neutropenia; 3-methylglutaconic aciduria, type VII, with cataracts, neurologic involvement and neutropenia. Identifiers: Orphanet 445038, MedGen C5676893, MONDO:0014561, OMIM 616271.

Submission:

Labcorp Genetics (formerly Invitae), Labcorp
Classification: Uncertain significance for 3-methylglutaconic aciduria, type VIIB. Last evaluated: 2026-01-03. Review status: criteria provided, single submitter. Criteria: Invitae Variant Classification Sherloc (09022015). Collection method: clinical testing. Allele origin: germline.
Comment: This sequence change replaces isoleucine, which is neutral and non-polar, with valine, which is neutral and non-polar, at codon 651 of the CLPB protein (p.Ile651Val). This variant is not present in population databases (gnomAD no frequency). This variant has not been reported in the literature in individuals affected with CLPB-related conditions. ClinVar contains an entry for this variant (Variation ID: 1489290). An algorithm developed to predict the effect of missense changes on protein structure and function (PolyPhen-2) suggests that this variant is likely to be tolerated. In summary, the available evidence is currently insufficient to determine the role of this variant in disease. Therefore, it has been classified as a Variant of Uncertain Significance.